The following is an entry in ClinVar:

NM_020778.5(ALPK3):c.58G>A (p.Gly20Arg)

Gene: ALPK3 (alpha kinase 3; plus strand). Cytogenetic location: 15q25.3.
Variant type: single nucleotide variant.
Coding change: c.58G>A on transcript NM_020778.5 (MANE Select); coding-DNA position 58, G replaced by A.
Protein change: p.Gly20Arg; replaces glycine 20 with arginine.
Molecular consequence: missense variant.
Genome position (GRCh38, 1-based): chr15:84,817,510, G>A. VCF-style: chr15-84817510-G-A. GRCh37 (hg19) VCF-style: chr15-85360741-G-A.
Other names: short protein forms G20R.
Identifiers: ClinVar variation 2563943 (VCV002563943.3), dbSNP rs1567084924, ClinGen allele CA393369372.
Genomic context (GRCh38, chr15:84,817,510, plus strand): 5'-GCCATGGGGTCGCGGAGGGCCCCCAGCCGGGGCTGGGGCGCGGGTGGGCGGTCGGGGGCG[G>A]GGGGCGACGGTGAGGACGACGGCCCCGTGTGGATCCCCAGCCCAGCCAGCCGGAGCTACC-3'
Protein context (NP_065829.4, residues 10-30): GWGAGGRSGA[Gly20Arg]GDGEDDGPVW

ClinVar aggregate classification (germline): Uncertain significance. Review status: criteria provided, multiple submitters, no conflicts (2 of 4 stars). 2 submissions from 2 submitters: Uncertain significance (2). Last evaluated 2025-04-23.

Conditions:
Cardiovascular phenotype. Identifiers: MedGen CN230736.

Allele frequency attached by ClinVar (database versions not stated): gnomAD exomes below 0.00001; gnomAD 0.00001.
gnomAD v4.1: 2 of 1,472,732 alleles (0.00014%); highest among the groups gnomAD compares: Non-Finnish European, 0.00018%; no homozygotes.

Submissions (2):

Labcorp Genetics (formerly Invitae), Labcorp
Classification: Uncertain significance. Last evaluated: 2025-04-23. Review status: criteria provided, single submitter. Criteria: Invitae Variant Classification Sherloc (09022015). Collection method: clinical testing. Allele origin: germline.
Comment: This sequence change replaces glycine, which is neutral and non-polar, with arginine, which is basic and polar, at codon 222 of the ALPK3 protein (p.Gly222Arg). This variant is not present in population databases (gnomAD no frequency). This variant has not been reported in the literature in individuals affected with ALPK3-related conditions. ClinVar contains an entry for this variant (Variation ID: 2563943). An algorithm developed to predict the effect of missense changes on protein structure and function outputs the following: PolyPhen-2: "Probably Damaging". The arginine amino acid residue is found in multiple mammalian species, which suggests that this missense change does not adversely affect protein function. In summary, the available evidence is currently insufficient to determine the role of this variant in disease. Therefore, it has been classified as a Variant of Uncertain Significance.

Ambry Genetics
Classification: Uncertain significance for Cardiovascular phenotype. Last evaluated: 2023-04-27. Review status: criteria provided, single submitter. Criteria: Ambry Variant Classification Scheme 2023. Collection method: clinical testing. Allele origin: germline.
Comment: The p.G222R variant (also known as c.664G>A), located in coding exon 1 of the ALPK3 gene, results from a G to A substitution at nucleotide position 664. The glycine at codon 222 is replaced by arginine, an amino acid with dissimilar properties. This amino acid position is well conserved in available vertebrate species. In addition, this alteration is predicted to be tolerated by in silico analysis. Since supporting evidence is limited at this time, the clinical significance of this alteration remains unclear.